The following is an entry in ClinVar:

ClinVar aggregate classification (germline): Uncertain significance. Review status: criteria provided, multiple submitters, no conflicts (2 of 4 stars). 8 submissions from 8 submitters: Uncertain significance (8). Last evaluated 2025-12-24.

Conditions:
Endometrial carcinoma. Also called: Endometrial carcinoma, somatic. Identifiers: MedGen C0476089, MONDO:0002447, OMIM 608089, HP:0012114.
MSH6-related disorder. Also called: MSH6-related condition; MSH6-Related disorders.
Hereditary cancer-predisposing syndrome. Also called: Neoplastic Syndromes, Hereditary; Tumor predisposition; Hereditary Cancer Syndrome; Hereditary neoplastic syndrome. Identifiers: Orphanet 140162, MedGen C0027672, MeSH D009386, MONDO:0015356.
Hereditary nonpolyposis colorectal neoplasms. Identifiers: MedGen C0009405, MeSH D003123.
Lynch syndrome. Identifiers: Orphanet 144, MedGen C4552100, MONDO:0005835. Disease mechanism: loss of function.

gnomAD v4.1: 3 of 1,613,330 alleles (0.00019%); highest among the groups gnomAD compares: Non-Finnish European, 0.00025%; no homozygotes.

Submissions (8):

Labcorp Genetics (formerly Invitae), Labcorp
Classification: Uncertain significance for Hereditary nonpolyposis colorectal neoplasms. Last evaluated: 2025-12-24. Review status: criteria provided, single submitter. Criteria: Invitae Variant Classification Sherloc (09022015). Collection method: clinical testing. Allele origin: germline.
Comment: This sequence change replaces histidine, which is basic and polar, with tyrosine, which is neutral and polar, at codon 1203 of the MSH6 protein (p.His1203Tyr). This variant is not present in population databases (gnomAD no frequency). This variant has not been reported in the literature in individuals affected with MSH6-related conditions. ClinVar contains an entry for this variant (Variation ID: 234147). Invitae Evidence Modeling of protein sequence and biophysical properties (such as structural, functional, and spatial information, amino acid conservation, physicochemical variation, residue mobility, and thermodynamic stability) indicates that this missense variant is not expected to disrupt MSH6 protein function with a negative predictive value of 95%. In summary, the available evidence is currently insufficient to determine the role of this variant in disease. Therefore, it has been classified as a Variant of Uncertain Significance.

Color Diagnostics, LLC DBA Color Health
Classification: Uncertain significance for Hereditary cancer-predisposing syndrome. Last evaluated: 2024-10-29. Review status: criteria provided, single submitter. Criteria: ACMG Guidelines, 2015. Collection method: clinical testing. Allele origin: germline.
Comment: This missense variant replaces histidine with tyrosine at codon 1203 of the MSH6 protein. Computational prediction suggests that this variant may have deleterious impact on protein structure and function (internally defined REVEL score threshold >= 0.7, PMID: 27666373). To our knowledge, functional studies have not been reported for this variant. This variant has not been reported in individuals affected with MSH6-related disorders in the literature. This variant has not been identified in the general population by the Genome Aggregation Database (gnomAD). The available evidence is insufficient to determine the role of this variant in disease conclusively. Therefore, this variant is classified as a Variant of Uncertain Significance.

Ambry Genetics
Classification: Uncertain significance for Hereditary cancer-predisposing syndrome. Last evaluated: 2024-08-07. Review status: criteria provided, single submitter. Criteria: Ambry Variant Classification Scheme 2023. Collection method: clinical testing. Allele origin: germline.
Comment: The p.H1203Y variant (also known as c.3607C>T), located in coding exon 7 of the MSH6 gene, results from a C to T substitution at nucleotide position 3607. The histidine at codon 1203 is replaced by tyrosine, an amino acid with similar properties. This amino acid position is highly conserved in available vertebrate species. In addition, this alteration is predicted to be deleterious by in silico analysis. Based on the available evidence, the clinical significance of this variant remains unclear.

All of Us Research Program, National Institutes of Health
Classification: Uncertain significance for Lynch syndrome. Last evaluated: 2024-08-06. Review status: criteria provided, single submitter. Criteria: ACMG Guidelines, 2015. Collection method: clinical testing. Allele origin: germline. Inheritance: Autosomal dominant inheritance. Observed: 1 variant allele, 1 heterozygote.
Comment: This missense variant replaces histidine with tyrosine at codon 1203 of the MSH6 protein. Computational prediction suggests that this variant may have deleterious impact on protein structure and function (internally defined REVEL score threshold >= 0.7, PMID: 27666373). Splice site prediction tools suggest that this variant may not impact RNA splicing. To our knowledge, functional studies have not been reported for this variant. This variant has not been reported in individuals affected with hereditary cancer in the literature. This variant has not been identified in the general population by the Genome Aggregation Database (gnomAD). The available evidence is insufficient to determine the role of this variant in disease conclusively. Therefore, this variant is classified as a Variant of Uncertain Significance.

This study involves interpretation of variants in research participants for the purpose of population health screening. Participant phenotype was not available at the time of variant classification. Additional details can be found in publication PMID: 35346344, PMCID: PMC8962531

GeneDx
Classification: Uncertain significance. Last evaluated: 2024-05-06. Review status: criteria provided, single submitter. Criteria: GeneDx Variant Classification Process June 2021. Collection method: clinical testing. Allele origin: germline. Affected: yes.
Comment: Not observed at significant frequency in large population cohorts (gnomAD); In silico analysis supports that this missense variant has a deleterious effect on protein structure/function; Has not been previously published as pathogenic or benign to our knowledge; This variant is associated with the following publications: (PMID: 17531815, 21120944)

Baylor Genetics
Classification: Uncertain significance for Endometrial carcinoma. Last evaluated: 2023-11-08. Review status: criteria provided, single submitter. Criteria: ACMG Guidelines, 2015. Collection method: clinical testing. Allele origin: unknown.

PreventionGenetics, part of Exact Sciences
Classification: Uncertain significance for MSH6-related condition. Last evaluated: 2022-09-27. Review status: criteria provided, single submitter. Criteria: ACMG Guidelines, 2015. Collection method: clinical testing. Allele origin: germline.
Comment: The MSH6 c.3607C>T variant is predicted to result in the amino acid substitution p.His1203Tyr. To our knowledge, this variant has not been reported in the literature or in a large population database, indicating this variant is rare. At this time, the clinical significance of this variant is uncertain due to the absence of conclusive functional and genetic evidence.

Quest Diagnostics Nichols Institute San Juan Capistrano
Classification: Uncertain significance. Last evaluated: 2018-12-03. Review status: criteria provided, single submitter. Criteria: Quest Diagnostics criteria. Collection method: clinical testing. Allele origin: germline.

NM_000179.3(MSH6):c.3607C>T (p.His1203Tyr)

Gene: MSH6 (mutS homolog 6; plus strand). Cytogenetic location: 2p16.3.
Variant type: single nucleotide variant.
Coding change: c.3607C>T on transcript NM_000179.3 (MANE Select); coding-DNA position 3607, C replaced by T.
Protein change: p.His1203Tyr; replaces histidine 1203 with tyrosine.
Molecular consequence: missense variant.
Genome position (GRCh38, 1-based): chr2:47,805,668, C>T. VCF-style: chr2-47805668-C-T. GRCh37 (hg19) VCF-style: chr2-48032807-C-T.
Other names: c.3217C>T, p.His1073Tyr (NM_001281492.2); c.2701C>T, p.His901Tyr (NM_001281493.2, NM_001281494.2); short protein forms H1203Y, H901Y, H1073Y.
Identifiers: ClinVar variation 234147 (VCV000234147.28), dbSNP rs876660882, ClinGen allele CA10578151.